The following is an entry in ClinVar:

ClinVar aggregate classification (germline): Uncertain significance. Review status: criteria provided, multiple submitters, no conflicts (2 of 4 stars). 2 submissions from 2 submitters: Uncertain significance (2). Last evaluated 2026-03-26.

Conditions:
ASH1L-related disorder. Also called: ASH1L-related condition.

Submissions (2):

GeneDx
Classification: Uncertain significance. Last evaluated: 2026-03-26. Review status: criteria provided, single submitter. Criteria: GeneDx Variant Classification Process June 2021. Collection method: clinical testing. Allele origin: germline.
Comment: Not observed at significant frequency in large population cohorts (gnomAD); In silico analysis supports that this missense variant has a deleterious effect on protein structure/function; Has not been previously published as pathogenic or benign to our knowledge

PreventionGenetics, part of Exact Sciences
Classification: Uncertain significance for ASH1L-related condition. Last evaluated: 2025-06-16. Review status: criteria provided, single submitter. Criteria: ACMG Guidelines, 2015. Collection method: clinical testing. Allele origin: germline.
Comment: The ASH1L c.6940A>G variant is predicted to result in the amino acid substitution p.Lys2314Glu. To our knowledge, this variant has not been reported in the literature or in a large population database, indicating this variant is rare. At this time, the clinical significance of this variant is uncertain due to the absence of conclusive functional and genetic evidence.

NM_018489.3(ASH1L):c.6940A>G (p.Lys2314Glu)

Gene: ASH1L (ASH1 like histone lysine methyltransferase; minus strand). Cytogenetic location: 1q22.
Variant type: single nucleotide variant.
Coding change: c.6940A>G on transcript NM_018489.3 (MANE Select); coding-DNA position 6940, A replaced by G.
Protein change: p.Lys2314Glu; replaces lysine 2314 with glutamic acid.
Molecular consequence: missense variant.
Genome position (GRCh38, 1-based): chr1:155,357,605, T>C on the plus strand (A>G on the coding strand, the complement: ASH1L is on the minus strand). VCF-style: chr1-155357605-T-C. GRCh37 (hg19) VCF-style: chr1-155327396-T-C.
Other names: c.6955A>G, p.Lys2319Glu (NM_001366177.2); short protein forms K2314E, K2319E.
Identifiers: ClinVar variation 2631547 (VCV002631547.3), dbSNP rs2525811814, ClinGen allele CA342749971.